The following is an entry in ClinVar:

NM_178857.6(RP1L1):c.4670C>T (p.Ala1557Val)

Gene: RP1L1 (RP1 like 1). Cytogenetic location: 8p23.1.
Variant type: single nucleotide variant.
Coding change: c.4670C>T on transcript NM_178857.6 (MANE Select); coding-DNA position 4670, C replaced by T.
Protein change: p.Ala1557Val; replaces alanine 1557 with valine.
Molecular consequence: missense variant.
Genome position (GRCh38, 1-based): chr8:10,609,428, G>A on the plus strand (C>T on the coding strand, the complement: RP1L1 is on the minus strand). VCF-style: chr8-10609428-G-A. GRCh37 (hg19) VCF-style: chr8-10466938-G-A.
Other names: short protein forms A1557V.
Identifiers: ClinVar variation 3155852 (VCV003155852.3), dbSNP rs745791302, ClinGen allele CA4623933.
Genomic context (GRCh38, chr8:10,609,428, plus strand): 5'-TGGAGCTCTCTCTTGGTGCTGTCCTGGAGGCGTTGGGCCACGTCCTGCTGCAGCTCGGCC[G>A]CCATCTGGTCCAGCAGATCATTGTCCTGCAGGCCCCAGCGTGCTCGGAGCTCAGCCACCG-3'
Protein context (NP_849188.4, residues 1547-1567): LQDNDLLDQM[Ala1557Val]AELQQDVAQR

ClinVar aggregate classification (germline): Conflicting classifications of pathogenicity. Review status: criteria provided, conflicting classifications (1 of 4 stars). 3 submissions from 3 submitters: Uncertain significance (2); Likely benign (1). Last evaluated 2026-04-20.

Conditions:
Inborn genetic diseases. Identifiers: MedGen C0950123, MeSH D030342.
RP1L1-related disorder. Also called: RP1L1-related condition.

Allele frequency attached by ClinVar (database versions not stated): gnomAD 0.00011; TOPMed 0.00014; 1000 Genomes Project 30x 0.00031.
gnomAD v4.1: 123 of 1,612,138 alleles (0.0076%); highest among the groups gnomAD compares: Admixed American, 0.032%; no homozygotes.

Submissions (3):

PreventionGenetics, part of Exact Sciences
Classification: Uncertain significance for RP1L1-related condition. Last evaluated: 2026-04-20. Review status: criteria provided, single submitter. Criteria: ACMG Guidelines, 2015. Collection method: clinical testing. Allele origin: germline.
Comment: The RP1L1 c.4670C>T variant is predicted to result in the amino acid substitution p.Ala1557Val. To our knowledge, this variant has not been reported in the literature. This variant is reported in 0.031% of alleles in individuals of Latino descent in gnomAD. At this time, the clinical significance of this variant is uncertain due to the absence of conclusive functional and genetic evidence.

Blueprint Genetics
Classification: Uncertain significance. Last evaluated: 2023-06-16. Review status: criteria provided, single submitter. Criteria: ACMG Guidelines, 2015. Collection method: clinical testing. Allele origin: germline.

Ambry Genetics
Classification: Likely benign for Inborn genetic diseases. Last evaluated: 2021-11-15. Review status: criteria provided, single submitter. Criteria: Ambry Variant Classification Scheme 2023. Collection method: clinical testing. Allele origin: germline.